The following continues an entry in ClinVar:

NM_000552.5(VWF):c.4021C>T (p.Arg1341Trp)

Gene: VWF. ClinVar aggregate classification (germline): Pathogenic. Pathogenic (1).

Submissions 6 to 11 of 11:

ARUP Laboratories, Molecular Genetics and Genomics, ARUP Laboratories
Classification: Pathogenic. Last evaluated: 2024-11-08. Review status: criteria provided, single submitter. Criteria: ARUP Molecular Germline Variant Investigation Process 2024. Collection method: clinical testing. Allele origin: germline. Not counted in ClinVar's aggregate classification.
Comment: The VWF c.4021C>T; p.Arg1341Trp variant (rs61749402) is reported in the literature in multiple individuals and families affected with von Willebrand Disease (vWD) Type 2B (Casana 1998, Casonato 2015, Casonato 2016, Casonato 2017, Federici 2009, Nurden 2010, Sadler 2022, Vangenechten 2019). Functional analyses of the variant protein show normal VWF multimer formation, enhanced VWF binding to platelet glycoprotein Ib alpha, increased ADAMTS-13 proteolysis and high levels of VWF activation (Baronciani 2010, Casonato 2015, Casonato 2016, Casonato 2017, Cooney 1991, Federici 2009, Langer 2014, Nurden 2010, Vangenechten 2019). This variant is also reported in ClinVar (Variation ID: 100316). This variant is found in the general population with an overall allele frequency of 0.002% (6/250698 alleles) in the Genome Aggregation Database. Additionally, at least one other variant at this codon (c.4022G>A, p.Arg1341Gln) has been reported in individuals with vWD Type 2B and is considered pathogenic (Cooney 1991, Goodeve 2009, Sadler 2022). The arginine at codon 1341 is moderately conserved, and computational analyses predict that this variant is deleterious (REVEL: 0.889). Based on available information, this variant is considered to be pathogenic. References: Baronciani L et al. Relevance of chloride binding to von Willebrand factor in type 2B von Willebrand disease patients. J Thromb Haemost. 2010 Feb;8(2):416-8. PMID: 19943880. Casana P et al. Search for mutations in a segment of the exon 28 of the human von Willebrand factor gene: new mutations, R1315C and R1341W, associated with type 2M and 2B variants. Am J Hematol. 1998 Sep;59(1):57-63. PMID: 9723578. Casonato A et al. Higher and lower active circulating VWF levels: different facets of von Willebrand disease. Br J Haematol. 2015 Dec;171(5):845-53. PMID: 26456374. Casonato A et al. Diagnostic Value of Measuring Platelet Von Willebrand Factor in Von Willebrand Disease. PLoS One. 2016 Aug 17;11(8):e0161310. PMID: 27532107. Casonato A et al. Type 2B von Willebrand disease with or without large multimers: A distinction of the two sides of the disorder is long overdue. PLoS One. 2017 Jun 22;12(6):e0179566. PMID: 28640903. Cooney KA et al. The molecular defect in type IIB von Willebrand disease. Identification of four potential missense mutations within the putative GpIb binding domain. J Clin Invest. 1991 Apr;87(4):1227-33. PMID: 1672694. Federici AB et al. Clinical and molecular predictors of thrombocytopenia and risk of bleeding in patients with von Willebrand disease type 2B: a cohort study of 67 patients. Blood. 2009 Jan 15;113(3):526-34. PMID: 18805962. Goodeve A et al. von Willebrand Disease. 2009 Jun 4 [Updated 2017 Oct 5]. In: Adam MP, Everman DB, Mirzaa GM, et al., editors. GeneReviewsÂ® [Internet]. Seattle (WA): University of Washington, Seattle; 1993-2022. Available from an online resource Langer F et al. Characterisation of the p.A1461D mutation causing von Willebrand disease type 2B with severe thrombocytopenia, circulating giant platelets, and defective a-granule secretion. Thromb Haemost. 2014 Apr 1;111(4):777-9. PMID: 24337418. Nurden P et al. Abnormal VWF modifies megakaryocytopoiesis: studies of platelets and megakaryocyte cultures from patients with von Willebrand disease type 2B. Blood. 2010 Apr 1;115(13):2649-56. PMID: 20118404. Sadler B et al. von Willebrand factor antigen levels are associated with burden of rare nonsynonymous variants in the VWF gene. Blood. 2021 Jun 10;137(23):3277-3283. Erratum in: Blood. 2022 Sep 15;140(11):1327. PMID: 33556167. Vangenechten I et al. Analysis of von Willebrand Disease in the South Moravian Population (Czech Republic): Results from the BRNO-VWD Study. Thromb Haemost. 2019 Apr;119(4):594-605. PMID: 30722078.

Mayo Clinic Laboratories, Mayo Clinic
Classification: Likely pathogenic. Last evaluated: 2024-03-26. Review status: criteria provided, single submitter. Criteria: ACMG Guidelines, 2015. Collection method: clinical testing. Allele origin: germline. Observed: 2 variant alleles. Not counted in ClinVar's aggregate classification.
Comment: PP1, PP3, PP5, PM1, PM2_moderate, PS4_moderate

Quest Diagnostics Nichols Institute San Juan Capistrano
Classification: Pathogenic. Last evaluated: 2021-06-02. Review status: criteria provided, single submitter. Criteria: Quest Diagnostics criteria. Collection method: clinical testing. Allele origin: unknown. Not counted in ClinVar's aggregate classification.
Comment: The variant has been reported in multiple individuals and families affected with Type 2B vWD in the published literature (PMIDs: 9723578 (1998), 27532107 (2016), 28640903 (2017), and 30722078 (2019)). Published functional studies have shown that this variant undergoes enhanced ADAMTS-13 cleavage, adversely effects megakaryocytopoiesis, causes enhanced ristocetin-induced platelet agglutination and high level VWF activation (PMIDs: 19943880 (2010), 20118404 (2010), 24337418 (2014), and 26456374 (2015)). Based on the available information, this variant is classified as pathogenic.

ISTH-SSC Genomics in Thrombosis and Hemostasis, KU Leuven, Center for Molecular and Vascular Biology
Classification: Likely pathogenic for von Willebrand disease type 1. Review status: criteria provided, single submitter. Criteria: ACMG Guidelines, 2015. Collection method: clinical testing. Allele origin: germline. Affected: yes. Observed: 1 heterozygote. Not counted in ClinVar's aggregate classification.
Comment: Submitted to GoldVariant by Kathleen Freson, Center for Molecular and Vascular Biology, Leuven, Belgium

Angelo Bianchi Bonomi Hemophilia and Thrombosis Center, Fondazione IRCCS Ca Granda Ospedale Maggiore Policlinico
Classification: Uncertain significance for von Willebrand disease type 2. Last evaluated: 2022-04-26. Review status: no assertion criteria provided. Collection method: clinical testing. Allele origin: germline. Affected: yes. Not counted in ClinVar's aggregate classification.

Academic Unit of Haematology, University of Sheffield
No classification provided. Review status: no classification provided. Collection method: not provided. Allele origin: not provided. Not counted in ClinVar's aggregate classification.

Literature cited by the submitters: PubMed 33556167 (cited by 3 submitters); PubMed 18805962 (cited by 3 submitters); PubMed 9723578 (cited by 4 submitters); PubMed 24337418 (cited by 4 submitters); PubMed 40820832 (cited by Victorian Clinical Genetics Services, Murdoch Childrens Research Institute); PubMed 19372260 (cited by Victorian Clinical Genetics Services, Murdoch Childrens Research Institute); PubMed 30488424 (cited by Victorian Clinical Genetics Services, Murdoch Childrens Research Institute); PubMed 39002731 (cited by Victorian Clinical Genetics Services, Murdoch Childrens Research Institute); PubMed 26456374 (cited by Victorian Clinical Genetics Services, Murdoch Childrens Research Institute and Quest Diagnostics Nichols Institute San Juan Capistrano); PubMed 28640903 (cited by Mayo Clinic Laboratories, Mayo Clinic and Quest Diagnostics Nichols Institute San Juan Capistrano); PubMed 20118404 (cited by Quest Diagnostics Nichols Institute San Juan Capistrano); PubMed 19943880 (cited by Quest Diagnostics Nichols Institute San Juan Capistrano); PubMed 28536718 (cited by Quest Diagnostics Nichols Institute San Juan Capistrano); PubMed 30722078 (cited by Quest Diagnostics Nichols Institute San Juan Capistrano); PubMed 27532107 (cited by Quest Diagnostics Nichols Institute San Juan Capistrano).